The following is an entry in ClinVar:

ClinVar aggregate classification (germline): Uncertain significance. Review status: criteria provided, multiple submitters, no conflicts (2 of 4 stars). 2 submissions from 2 submitters: Uncertain significance (2). Last evaluated 2024-10-21.

Conditions:
Dyskeratosis congenita, autosomal dominant 6 (DKCA6). Identifiers: Orphanet 3322, MedGen C4225284, MONDO:0014690, OMIM 616553.
Inborn genetic diseases. Identifiers: MedGen C0950123, MeSH D030342.

Submissions (2):

Labcorp Genetics (formerly Invitae), Labcorp
Classification: Uncertain significance for Dyskeratosis congenita, autosomal dominant 6. Last evaluated: 2024-10-21. Review status: criteria provided, single submitter. Criteria: Invitae Variant Classification Sherloc (09022015). Collection method: clinical testing. Allele origin: germline.
Comment: This sequence change replaces arginine, which is basic and polar, with tryptophan, which is neutral and slightly polar, at codon 53 of the ACD protein (p.Arg53Trp). This variant is present in population databases (rs773291286, gnomAD 0.06%). This variant has not been reported in the literature in individuals affected with ACD-related conditions. ClinVar contains an entry for this variant (Variation ID: 1516539). An algorithm developed to predict the effect of missense changes on protein structure and function outputs the following: PolyPhen-2: "Benign". The tryptophan amino acid residue is found in multiple mammalian species, which suggests that this missense change does not adversely affect protein function. In summary, the available evidence is currently insufficient to determine the role of this variant in disease. Therefore, it has been classified as a Variant of Uncertain Significance.

Ambry Genetics
Classification: Uncertain significance for Inborn genetic diseases. Last evaluated: 2024-04-20. Review status: criteria provided, single submitter. Criteria: Ambry Variant Classification Scheme 2023. Collection method: clinical testing. Allele origin: germline.
Comment: The p.R53W variant (also known as c.157C>T), located in coding exon 1 of the ACD gene, results from a C to T substitution at nucleotide position 157. The arginine at codon 53 is replaced by tryptophan, an amino acid with dissimilar properties. This amino acid position is conserved. In addition, this alteration is predicted to be tolerated by in silico analysis. Since supporting evidence is limited at this time, the clinical significance of this alteration remains unclear.

NC_000016.10:g.67660322G>A

Gene: ACD (ACD shelterin complex subunit and telomerase recruitment factor; minus strand). Cytogenetic location: 16q22.1.
Variant type: single nucleotide variant.
Genome position: GRCh38 VCF-style: chr16-67660322-G-A. GRCh37 (hg19) VCF-style: chr16-67694225-G-A.
Other names: short protein forms R53W.
Identifiers: ClinVar variation 1516539 (VCV001516539.8), dbSNP rs773291286, ClinGen allele CA8114889.